The following is an entry in ClinVar:

ClinVar aggregate classification (germline): Uncertain significance (1 of 4 stars; one submission).

Allele frequency attached by ClinVar (database versions not stated): TOPMed below 0.00001.

Submission:

Labcorp Genetics (formerly Invitae), Labcorp
Classification: Uncertain significance. Last evaluated: 2022-05-05. Review status: criteria provided, single submitter. Criteria: Invitae Variant Classification Sherloc (09022015). Collection method: clinical testing. Allele origin: germline.
Comment: In summary, the available evidence is currently insufficient to determine the role of this variant in disease. Therefore, it has been classified as a Variant of Uncertain Significance. Algorithms developed to predict the effect of sequence changes on RNA splicing suggest that this variant may disrupt the consensus splice site. This sequence change falls in intron 55 of the FRAS1 gene. It does not directly change the encoded amino acid sequence of the FRAS1 protein. This variant is not present in population databases (gnomAD no frequency). This variant has not been reported in the literature in individuals affected with FRAS1-related conditions.

NM_025074.7(FRAS1):c.8099-5T>C

Gene: FRAS1 (Fraser extracellular matrix complex subunit 1; plus strand). Cytogenetic location: 4q21.21.
Variant type: single nucleotide variant.
Coding change: c.8099-5T>C on transcript NM_025074.7 (MANE Select); 5 bases into the intron before coding-DNA position 8099, T replaced by C.
Molecular consequence: intron variant.
Genome position (GRCh38, 1-based): chr4:78,479,369, T>C. VCF-style: chr4-78479369-T-C. GRCh37 (hg19) VCF-style: chr4-79400523-T-C.
Identifiers: ClinVar variation 2129379 (VCV002129379.4), dbSNP rs1719942170, ClinGen allele CA1470561873.